The following is an entry in ClinVar:

NM_000744.7(CHRNA4):c.258C>T (p.Asn86=)

Genes: CHRNA4 (cholinergic receptor nicotinic alpha 4 subunit; minus strand), LOC126863087 (P300/CBP strongly-dependent group 1 enhancer GRCh37_chr20:61986832-61988031; plus strand). Cytogenetic location: 20q13.33.
Variant type: single nucleotide variant.
Coding change: c.258C>T on transcript NM_000744.7 (MANE Select); coding-DNA position 258, C replaced by T.
Protein change: p.Asn86=; no amino-acid change (asparagine 86 retained).
Molecular consequence: synonymous variant. On other transcripts: 5 prime UTR variant (1), non-coding transcript variant (1).
Genome position (GRCh38, 1-based): chr20:63,356,386, G>A on the plus strand (C>T on the coding strand, the complement: CHRNA4 is on the minus strand). VCF-style: chr20-63356386-G-A. GRCh37 (hg19) VCF-style: chr20-61987738-G-A.
Other names: c.-289C>T (NM_001256573.2).
Identifiers: ClinVar variation 377670 (VCV000377670.19), dbSNP rs140239470, ClinGen allele CA9957905.

ClinVar aggregate classification (germline): Benign/Likely benign. Review status: criteria provided, multiple submitters, no conflicts (2 of 4 stars). 5 submissions from 5 submitters: Benign (2); Likely benign (3). Last evaluated 2026-06-15.

Conditions:
Familial sleep-related hypermotor epilepsy. Also called: Autosomal Dominant Sleep-Related Hypermotor (Hyperkinetic) Epilepsy. Identifiers: Orphanet 98784, MedGen C3696898, MONDO:0000030.
Inborn genetic diseases. Identifiers: MedGen C0950123, MeSH D030342.

Allele frequency attached by ClinVar (database versions not stated): ExAC 0.00025; ESP Exome Variant Server 0.00031; 1000 Genomes Project 0.00060; 1000 Genomes Project 30x 0.00062; gnomAD 0.00062 and 0.00064; TOPMed 0.00066.
gnomAD v4.1: 327 of 1,600,170 alleles (0.02%); highest among the groups gnomAD compares: African/African-American, 0.22%; no homozygotes.

Submissions (5):

Women's Health and Genetics/Laboratory Corporation of America, LabCorp
Classification: Likely benign. Last evaluated: 2026-06-15. Review status: criteria provided, single submitter. Criteria: LabCorp Variant Classification Summary - May 2015. Collection method: clinical testing. Allele origin: germline.

Labcorp Genetics (formerly Invitae), Labcorp
Classification: Benign. Last evaluated: 2025-12-30. Review status: criteria provided, single submitter. Criteria: Invitae Variant Classification Sherloc (09022015). Collection method: clinical testing. Allele origin: germline.

Ambry Genetics
Classification: Likely benign for Inborn genetic diseases. Last evaluated: 2024-12-31. Review status: criteria provided, single submitter. Criteria: Ambry Variant Classification Scheme 2023. Collection method: clinical testing. Allele origin: germline.

Blueprint Genetics
Classification: Likely benign. Last evaluated: 2024-10-02. Review status: criteria provided, single submitter. Criteria: ACMG Guidelines, 2015. Collection method: clinical testing. Allele origin: germline.

GeneDx
Classification: Benign. Last evaluated: 2015-03-16. Review status: criteria provided, single submitter. Criteria: GeneDx Variant Classification (06012015). Collection method: clinical testing. Allele origin: germline. Affected: yes.
Comment: This variant is considered likely benign or benign based on one or more of the following criteria: it is a conservative change, it occurs at a poorly conserved position in the protein, it is predicted to be benign by multiple in silico algorithms, and/or has population frequency not consistent with disease.